The following is an entry in ClinVar:

NM_138295.5(PKD1L1):c.7930C>T (p.Arg2644Cys)

Genes: PKD1L1 (polycystin 1 like 1, transient receptor potential channel interacting; minus strand), PKD1L1-AS1 (PKD1L1 antisense RNA 1; plus strand). Cytogenetic location: 7p12.3.
Variant type: single nucleotide variant.
Coding change: c.7930C>T on transcript NM_138295.5 (MANE Select); coding-DNA position 7930, C replaced by T.
Protein change: p.Arg2644Cys; replaces arginine 2644 with cysteine.
Molecular consequence: missense variant.
Genome position (GRCh38, 1-based): chr7:47,803,242, G>A on the plus strand (C>T on the coding strand, the complement: PKD1L1 is on the minus strand). VCF-style: chr7-47803242-G-A. GRCh37 (hg19) VCF-style: chr7-47842840-G-A.
Other names: short protein forms R2644C.
Identifiers: ClinVar variation 4137506 (VCV004137506.2).

ClinVar aggregate classification (germline): Uncertain significance. Review status: criteria provided, multiple submitters, no conflicts (2 of 4 stars). 2 submissions from 2 submitters: Uncertain significance (2). Last evaluated 2025-09-10.

Conditions:
PKD1L1-related disorder. Also called: PKD1L1-related condition.
Inborn genetic diseases. Identifiers: MedGen C0950123, MeSH D030342.

gnomAD v4.1: 43 of 1,613,990 alleles (0.0027%); highest among the groups gnomAD compares: Admixed American, 0.017%; no homozygotes.

Submissions (2):

PreventionGenetics, part of Exact Sciences
Classification: Uncertain significance for PKD1L1-related condition. Last evaluated: 2025-09-10. Review status: criteria provided, single submitter. Criteria: ACMG Guidelines, 2015. Collection method: clinical testing. Allele origin: germline.
Comment: The PKD1L1 c.7930C>T variant is predicted to result in the amino acid substitution p.Arg2644Cys. To our knowledge, this variant has not been reported in the literature. This variant is reported in 0.025% of alleles in individuals of Latino descent in gnomAD. At this time, the clinical significance of this variant is uncertain due to the absence of conclusive functional and genetic evidence.

Ambry Genetics
Classification: Uncertain significance for Inborn genetic diseases. Last evaluated: 2025-08-12. Review status: criteria provided, single submitter. Criteria: Ambry Variant Classification Scheme 2023. Collection method: clinical testing. Allele origin: germline.